The following is an entry in ClinVar:

NM_021098.3(CACNA1H):c.1835A>G (p.Asn612Ser)

Gene: CACNA1H (calcium voltage-gated channel subunit alpha1 H; plus strand). Cytogenetic location: 16p13.3.
Variant type: single nucleotide variant.
Coding change: c.1835A>G on transcript NM_021098.3 (MANE Select); coding-DNA position 1835, A replaced by G.
Protein change: p.Asn612Ser; replaces asparagine 612 with serine.
Molecular consequence: missense variant.
Genome position (GRCh38, 1-based): chr16:1,202,285, A>G. VCF-style: chr16-1202285-A-G. GRCh37 (hg19) VCF-style: chr16-1252285-A-G.
Other names: c.1835A>G, p.Asn612Ser (NM_001005407.2); short protein forms N612S.
Identifiers: ClinVar variation 2630580 (VCV002630580.1), dbSNP rs773099504, ClinGen allele CA394162607.

ClinVar aggregate classification (germline): Uncertain significance (1 of 4 stars; one submission).

Conditions:
CACNA1H-related disorder.

Submission:

PreventionGenetics, part of Exact Sciences
Classification: Uncertain significance for CACNA1H-related condition. Last evaluated: 2023-02-15. Review status: criteria provided, single submitter. Criteria: ACMG Guidelines, 2015. Collection method: clinical testing. Allele origin: germline.
Comment: The CACNA1H c.1835A>G variant is predicted to result in the amino acid substitution p.Asn612Ser. To our knowledge, this variant has not been reported in the literature or in a large population database, indicating this variant is rare. At this time, the clinical significance of this variant is uncertain due to the absence of conclusive functional and genetic evidence.